The following is an entry in ClinVar:

NM_006031.6(PCNT):c.5976G>A (p.Pro1992=)

Gene: PCNT (pericentrin; plus strand). Cytogenetic location: 21q22.3.
Variant type: single nucleotide variant.
Coding change: c.5976G>A on transcript NM_006031.6 (MANE Select); coding-DNA position 5976, G replaced by A.
Protein change: p.Pro1992=; no amino-acid change (proline 1992 retained).
Molecular consequence: synonymous variant.
Genome position (GRCh38, 1-based): chr21:46,412,049, G>A. VCF-style: chr21-46412049-G-A. GRCh37 (hg19) VCF-style: chr21-47831963-G-A.
Other names: c.5622G>A, p.Pro1874= (NM_001315529.2); c.5976G>A (NM_006031.5).
Identifiers: ClinVar variation 1641721 (VCV001641721.10), dbSNP rs1017180528, ClinGen allele CA321998261.
Genomic context (GRCh38, chr21:46,412,049, plus strand): 5'-TGGCGCCAAGGCCCAGGTCACCGGCGACGTGGAGGCCTCCCATGATGCTGCTTTGGAGCC[G>A]GTTGTCCCTGACCCACAGGTGGGCTCCCCCCGCGGGCCATGGCAGGGTATTTTTTTTTAC-3'
Protein context (NP_006022.3, residues 1982-2002): VEASHDAALE[Pro1992=]VVPDPQGDLQ

ClinVar aggregate classification (germline): Likely benign. Review status: criteria provided, single submitter (1 of 4 stars). 2 submissions from 2 submitters: Likely benign (1). 1 of the submissions does not count toward it. Last evaluated 2023-12-09.

Conditions:
PCNT-related disorder. Also called: PCNT-related condition.

Allele frequency attached by ClinVar (database versions not stated): gnomAD 0.00001; TOPMed 0.00003.
gnomAD v4.1: 17 of 1,607,322 alleles (0.0011%); highest among the groups gnomAD compares: South Asian, 0.0055%; no homozygotes.

Submissions (2):

Labcorp Genetics (formerly Invitae), Labcorp
Classification: Likely benign. Last evaluated: 2023-12-09. Review status: criteria provided, single submitter. Criteria: Invitae Variant Classification Sherloc (09022015). Collection method: clinical testing. Allele origin: germline.

PreventionGenetics, part of Exact Sciences
Classification: Likely benign for PCNT-related condition. Last evaluated: 2021-08-28. Review status: no assertion criteria provided. Collection method: clinical testing. Allele origin: germline. Not counted in ClinVar's aggregate classification.
Comment: This variant is classified as likely benign based on ACMG/AMP sequence variant interpretation guidelines (Richards et al. 2015 PMID: 25741868, with internal and published modifications).